The following is an entry in ClinVar:

NM_015278.5(SASH1):c.908G>C (p.Arg303Pro)

Gene: SASH1 (SAM and SH3 domain containing 1; plus strand). Cytogenetic location: 6q25.1.
Variant type: single nucleotide variant.
Coding change: c.908G>C on transcript NM_015278.5 (MANE Select); coding-DNA position 908, G replaced by C.
Protein change: p.Arg303Pro; replaces arginine 303 with proline.
Molecular consequence: missense variant.
Genome position (GRCh38, 1-based): chr6:148,519,592, G>C. VCF-style: chr6-148519592-G-C. GRCh37 (hg19) VCF-style: chr6-148840728-G-C.
Other names: c.773G>C, p.Arg258Pro (NM_001346505.2); c.536G>C, p.Arg179Pro (NM_001346506.2); c.191G>C, p.Arg64Pro (NM_001346507.2, NM_001346508.2); c.68G>C, p.Arg23Pro (NM_001346509.2); short protein forms R179P, R258P, R64P, R23P, R303P.
Identifiers: ClinVar variation 3792626 (VCV003792626.9).

ClinVar aggregate classification (germline): Conflicting classifications of pathogenicity. Review status: criteria provided, conflicting classifications (1 of 4 stars). 2 submissions from 2 submitters: Uncertain significance (1); Likely benign (1). Last evaluated 2025-07-01.

Conditions:
Inborn genetic diseases. Identifiers: MedGen C0950123, MeSH D030342.

gnomAD v4.1: 413 of 1,614,118 alleles (0.026%); highest among the groups gnomAD compares: East Asian, 0.54%; 1 homozygote.

Submissions (2):

CeGaT Center for Human Genetics Tuebingen
Classification: Likely benign. Last evaluated: 2025-07-01. Review status: criteria provided, single submitter. Criteria: CeGaT Center For Human Genetics Tuebingen Variant Classification Criteria Version 2. Collection method: clinical testing. Allele origin: germline. Affected: yes. Observed: 1 variant allele.
Comment: SASH1: BP4

Ambry Genetics
Classification: Uncertain significance for Inborn genetic diseases. Last evaluated: 2025-01-04. Review status: criteria provided, single submitter. Criteria: Ambry Variant Classification Scheme 2023. Collection method: clinical testing. Allele origin: germline.